The following is an entry in ClinVar:

ClinVar aggregate classification (germline): Uncertain significance. Review status: criteria provided, multiple submitters, no conflicts (2 of 4 stars). 3 submissions from 3 submitters: Uncertain significance (3). Last evaluated 2022-08-09.

Conditions:
Inborn genetic diseases. Identifiers: MedGen C0950123, MeSH D030342.
Pyruvate carboxylase deficiency. Also called: ATAXIA WITH LACTIC ACIDOSIS II; LEIGH NECROTIZING ENCEPHALOPATHY DUE TO PYRUVATE CARBOXYLASE DEFICIENCY; LEIGH SYNDROME DUE TO PYRUVATE CARBOXYLASE DEFICIENCY; PC DEFICIENCY; Pyruvate Carboxylase Deficiency Disease. Identifiers: Orphanet 3008, MedGen C0034341, MONDO:0009949, OMIM 266150.

Allele frequency attached by ClinVar (database versions not stated): gnomAD 0.00001; ExAC 0.00002; TOPMed 0.00004.
gnomAD v4.1: 11 of 1,608,142 alleles (0.00068%); highest among the groups gnomAD compares: East Asian, 0.013%; no homozygotes.

Submissions (3):

Labcorp Genetics (formerly Invitae), Labcorp
Classification: Uncertain significance for Pyruvate carboxylase deficiency. Last evaluated: 2022-08-09. Review status: criteria provided, single submitter. Criteria: Invitae Variant Classification Sherloc (09022015). Collection method: clinical testing. Allele origin: germline.
Comment: This sequence change replaces arginine, which is basic and polar, with histidine, which is basic and polar, at codon 393 of the PC protein (p.Arg393His). This variant is present in population databases (rs752021062, gnomAD 0.06%). This variant has not been reported in the literature in individuals affected with PC-related conditions. Algorithms developed to predict the effect of missense changes on protein structure and function are either unavailable or do not agree on the potential impact of this missense change (SIFT: "Deleterious"; PolyPhen-2: "Probably Damaging"; Align-GVGD: "Class C0"). In summary, the available evidence is currently insufficient to determine the role of this variant in disease. Therefore, it has been classified as a Variant of Uncertain Significance.

Ambry Genetics
Classification: Uncertain significance for Inborn genetic diseases. Last evaluated: 2020-11-18. Review status: criteria provided, single submitter. Criteria: Ambry Variant Classification Scheme 2023. Collection method: clinical testing. Allele origin: germline.
Comment: The c.1178G>A (p.R393H) alteration is located in exon 10 (coding exon 8) of the PC gene. This alteration results from a G to A substitution at nucleotide position 1178, causing the arginine (R) at amino acid position 393 to be replaced by a histidine (H). Based on data from the Genome Aggregation Database (gnomAD) database, the PC c.1178G>A alteration was observed in 0.0045% (11/245576) of total alleles studied, with a frequency of 0.05% (10/18292) in the East Asian subpopulation. This amino acid position is highly conserved in available vertebrate species. The in silico prediction for the p.R393H alteration is inconclusive. Based on insufficient or conflicting evidence, the clinical significance of this alteration remains unclear.

Juno Genomics, Hangzhou Juno Genomics, Inc
Classification: Uncertain significance for Pyruvate carboxylase deficiency. Review status: criteria provided, single submitter. Criteria: ACMG Guidelines, 2015. Collection method: clinical testing. Allele origin: germline.
Comment: Absent from controls (or at extremely low frequency if recessive) in Genome Aggregation Database.;Missense variant in a gene that has a low rate of benign missense variation.;Multiple lines of computational evidence support a deleterious effect on the gene or gene product.

NM_001040716.2(PC):c.1178G>A (p.Arg393His)

Gene: PC (pyruvate carboxylase; minus strand). Cytogenetic location: 11q13.2.
Variant type: single nucleotide variant.
Coding change: c.1178G>A on transcript NM_001040716.2 (MANE Select); coding-DNA position 1178, G replaced by A.
Protein change: p.Arg393His; replaces arginine 393 with histidine.
Molecular consequence: missense variant.
Genome position (GRCh38, 1-based): chr11:66,866,194, C>T on the plus strand (G>A on the coding strand, the complement: PC is on the minus strand). VCF-style: chr11-66866194-C-T. GRCh37 (hg19) VCF-style: chr11-66633665-C-T.
Other names: c.1178G>A, p.Arg393His (NM_000920.4, NM_022172.3); short protein forms R393H.
Identifiers: ClinVar variation 2083983 (VCV002083983.4), dbSNP rs752021062, ClinGen allele CA6131970.
Genomic context (GRCh38, chr11:66,866,194, plus strand): 5'-CAGAACCTGTGCACAGGTGAGCTGGCATCTCCCTCTGCTCGAGCTCCGCCCACCTCAATG[C>T]GGCCGGTGTCCGGCTGGAAGCTGCGCGCGGGGTCCTCGGTGGTGACCCGGCACTGGATGG-3'
Protein context (NP_001035806.1, residues 383-403): PARSFQPDTG[Arg393His]IEVFRSGEGM